The following is an entry in ClinVar:

NM_205836.3(FBXO38):c.2159C>T (p.Thr720Ile)

Gene: FBXO38 (F-box protein 38; plus strand). Cytogenetic location: 5q32.
Variant type: single nucleotide variant.
Coding change: c.2159C>T on transcript NM_205836.3 (MANE Select); coding-DNA position 2159, C replaced by T.
Protein change: p.Thr720Ile; replaces threonine 720 with isoleucine.
Molecular consequence: missense variant. On other transcripts: intron variant (1).
Genome position (GRCh38, 1-based): chr5:148,427,453, C>T. VCF-style: chr5-148427453-C-T. GRCh37 (hg19) VCF-style: chr5-147807016-C-T.
Other names: c.2159C>T, p.Thr720Ile (NM_030793.5); c.1918+1752C>T (NM_001271723.2); short protein forms T720I.
Identifiers: ClinVar variation 4988343 (VCV004988343.1).
Genomic context (GRCh38, chr5:148,427,453, plus strand): 5'-TTTATCCCAGCTGCAGCAGCACCACCGCCAGCACAGTGGGAAACTCCAGCTCACACAACA[C>T]TGCTTCTCAAAGCCCCGACTTTGTAAGGACGGTGAACAGCGGCGGCTCTTCCGAGCCTAG-3'
Protein context (NP_995308.1, residues 710-730): STVGNSSSHN[Thr720Ile]ASQSPDFVRT

ClinVar aggregate classification (germline): Uncertain significance (1 of 4 stars; one submission).

Conditions:
FBXO38-related disorder. Also called: FBXO38-related condition.

Submission:

PreventionGenetics, part of Exact Sciences
Classification: Uncertain significance for FBXO38-related condition. Last evaluated: 2026-06-17. Review status: criteria provided, single submitter. Criteria: ACMG Guidelines, 2015. Collection method: clinical testing. Allele origin: germline.
Comment: The FBXO38 c.2159C>T variant is predicted to result in the amino acid substitution p.Thr720Ile. To our knowledge, this variant has not been reported in the literature or in a large population database (gnomAD), indicating this variant is rare. At this time, the clinical significance of this variant is uncertain due to the absence of conclusive functional and genetic evidence.